The following is an entry in ClinVar:

NM_016507.4(CDK12):c.2314A>G (p.Ile772Val)

Gene: CDK12 (cyclin dependent kinase 12; plus strand). Cytogenetic location: 17q12.
Variant type: single nucleotide variant.
Coding change: c.2314A>G on transcript NM_016507.4 (MANE Select); coding-DNA position 2314, A replaced by G.
Protein change: p.Ile772Val; replaces isoleucine 772 with valine.
Molecular consequence: missense variant.
Genome position (GRCh38, 1-based): chr17:39,494,589, A>G. VCF-style: chr17-39494589-A-G. GRCh37 (hg19) VCF-style: chr17-37650842-A-G.
Other names: c.2314A>G, p.Ile772Val (NM_015083.4); short protein forms I772V.
Identifiers: ClinVar variation 3999517 (VCV003999517.1).

ClinVar aggregate classification (germline): Uncertain significance (1 of 4 stars; one submission).

gnomAD v4.1: 1 of 1,613,802 alleles (0.000062%); highest among the groups gnomAD compares: Non-Finnish European, 0.000085%; no homozygotes.

Submission:

Ambry Genetics
Classification: Uncertain significance. Last evaluated: 2025-06-01. Review status: criteria provided, single submitter. Criteria: Ambry Variant Classification Scheme 2023. Collection method: clinical testing. Allele origin: germline.
Comment: The p.I772V variant (also known as c.2314A>G), located in coding exon 5 of the CDK12 gene, results from an A to G substitution at nucleotide position 2314. The isoleucine at codon 772 is replaced by valine, an amino acid with highly similar properties. This amino acid position is conserved. In addition, this alteration is predicted to be tolerated by in silico analysis. Based on the available evidence, the clinical significance of this variant remains unclear.